The following is an entry in ClinVar:

NM_001330311.2(DVL1):c.1819A>C (p.Thr607Pro)

Gene: DVL1 (dishevelled segment polarity protein 1; minus strand). Cytogenetic location: 1p36.33.
Variant type: single nucleotide variant.
Coding change: c.1819A>C on transcript NM_001330311.2 (MANE Select); coding-DNA position 1819, A replaced by C.
Protein change: p.Thr607Pro; replaces threonine 607 with proline.
Molecular consequence: missense variant.
Genome position (GRCh38, 1-based): chr1:1,336,411, T>G on the plus strand (A>C on the coding strand, the complement: DVL1 is on the minus strand). VCF-style: chr1-1336411-T-G. GRCh37 (hg19) VCF-style: chr1-1271791-T-G.
Other names: c.1744A>C, p.Thr582Pro (NM_004421.3); short protein forms T582P, T607P.
Identifiers: ClinVar variation 1049544 (VCV001049544.6), dbSNP rs769935706, ClinGen allele CA519819.

ClinVar aggregate classification (germline): Uncertain significance. Review status: criteria provided, single submitter (1 of 4 stars). 2 submissions from 2 submitters: Uncertain significance (1). 1 of the submissions does not count toward it. Last evaluated 2024-10-22.

Allele frequency attached by ClinVar (database versions not stated): ExAC 0.00001; gnomAD exomes 0.00001 and 0.00003; TOPMed 0.00002; gnomAD 0.00003 and 0.00004.
gnomAD v4.1: 43 of 1,598,240 alleles (0.0027%); highest among the groups gnomAD compares: Non-Finnish European, 0.0035%; no homozygotes.

Submissions (2):

Labcorp Genetics (formerly Invitae), Labcorp
Classification: Uncertain significance. Last evaluated: 2024-10-22. Review status: criteria provided, single submitter. Criteria: Invitae Variant Classification Sherloc (09022015). Collection method: clinical testing. Allele origin: germline.
Comment: This sequence change replaces threonine, which is neutral and polar, with proline, which is neutral and non-polar, at codon 582 of the DVL1 protein (p.Thr582Pro). This variant is present in population databases (rs769935706, gnomAD 0.003%). This variant has not been reported in the literature in individuals affected with DVL1-related conditions. ClinVar contains an entry for this variant (Variation ID: 1049544). Invitae Evidence Modeling of protein sequence and biophysical properties (such as structural, functional, and spatial information, amino acid conservation, physicochemical variation, residue mobility, and thermodynamic stability) indicates that this missense variant is not expected to disrupt DVL1 protein function with a negative predictive value of 80%. In summary, the available evidence is currently insufficient to determine the role of this variant in disease. Therefore, it has been classified as a Variant of Uncertain Significance.

Department of Pathology and Laboratory Medicine, Sinai Health System
Classification: Uncertain significance. Review status: no assertion criteria provided. Collection method: clinical testing. Allele origin: unknown. Affected: yes. Study: The Canadian Open Genetics Repository (COGR). Not counted in ClinVar's aggregate classification.
Comment: The DVL1 p.T607P variant was identified in 2 of 946 proband chromosomes (frequency: 0.0021) from individuals with neural tube defects and was not identified in 300 control chromosomes from healthy individuals (Merello_2013_PMID:23836490,). The variant was identified in dbSNP (ID: rs769935706) but was not identified in ClinVar. The variant was identified in control databases in 4 of 255988 chromosomes at a frequency of 0.00001563 (Genome Aggregation Database March 6, 2019, v2.1.1). The variant was observed in the European (non-Finnish) population in 4 of 116834 chromosomes (freq: 0.000034), but was not observed in the African, Latino, Ashkenazi Jewish, East Asian, European (Finnish), Other, or South Asian populations. The p.T607 residue is not conserved in mammals and computational analyses (PolyPhen-2, SIFT, MutationTaster, Revel, FATHMM, MetaLR, DANN) do not suggest a high likelihood of impact to the protein; however, this information is not predictive enough to rule out pathogenicity. The variant occurs outside of the splicing consensus sequence and in silico or computational prediction software programs (Splice AI exome) do not predict a difference in splicing. In summary, based on the above information the clinical significance of this variant cannot be determined with certainty at this time. This variant is classified as a variant of uncertain significance.